The following is an entry in ClinVar:

ClinVar aggregate classification (germline): Likely pathogenic (1 of 4 stars; one submission).

Conditions:
Combined immunodeficiency due to MALT1 deficiency. Also called: Immunodeficiency 12. Identifiers: Orphanet 397964, MedGen C3809583, MONDO:0014197, OMIM 615468.

Submission:

3billion
Classification: Likely pathogenic for Combined immunodeficiency due to MALT1 deficiency. Last evaluated: 2022-03-22. Review status: criteria provided, single submitter. Criteria: ACMG Guidelines, 2015. Collection method: clinical testing. Allele origin: germline. Affected: yes. Observed: 1 homozygote.
Comment: Frameshift: predicted to result in a loss or disruption of normal protein function through protein truncation. The predicted truncated protein may be shortened by more than 10%.It is not observed in the gnomAD v2.1.1 dataset. Therefore, this variant is classified as likely pathogenic according to the recommendation of ACMG/AMP guideline.

NM_006785.4(MALT1):c.1950del (p.Pro651fs)

Gene: MALT1 (MALT1 paracaspase; plus strand). Cytogenetic location: 18q21.32.
Variant type: Deletion.
Coding change: c.1950del on transcript NM_006785.4 (MANE Select); coding-DNA position 1950, one base deleted (A; older notation c.1950delA).
Protein change: p.Pro651fs; shifts the reading frame from proline 651.
Molecular consequence: frameshift variant.
Genome position (GRCh38, 1-based): chr18:58,745,704, A deleted. VCF-style (leftmost placement, unchanged base first): chr18-58745703-CA-C. GRCh37 (hg19) VCF-style: chr18-56412935-CA-C.
Other names: c.1917del, p.Pro640fs (NM_173844.3); short protein forms P640fs, P651fs.
Identifiers: ClinVar variation 1526198 (VCV001526198.1), dbSNP rs2144491203, ClinGen allele CA2573155471.